The following is an entry in ClinVar:

NM_001943.5(DSG2):c.2033G>T (p.Gly678Val)

Genes: DSG2 (desmoglein 2; plus strand), DSG2-AS1 (DSG2 antisense RNA 1; minus strand). Cytogenetic location: 18q12.1.
Variant type: single nucleotide variant.
Coding change: c.2033G>T on transcript NM_001943.5 (MANE Select); coding-DNA position 2033, G replaced by T.
Protein change: p.Gly678Val; replaces glycine 678 with valine.
Molecular consequence: missense variant.
Genome position (GRCh38, 1-based): chr18:31,542,551, G>T. VCF-style: chr18-31542551-G-T. GRCh37 (hg19) VCF-style: chr18-29122514-G-T.
Other names: short protein forms G678V.
Identifiers: ClinVar variation 1922233 (VCV001922233.5), dbSNP rs372494397, ClinGen allele CA297700095.

ClinVar aggregate classification (germline): Uncertain significance (1 of 4 stars; one submission).

Conditions:
Arrhythmogenic right ventricular dysplasia 10. Also called: Arrhythmogenic right ventricular dysplasia/cardiomyopathy, type 10; Arrhythmogenic Right Ventricular Dysplasia/Cardiomyopathy10; ARRHYTHMOGENIC RIGHT VENTRICULAR DYSPLASIA, FAMILIAL, 10. Identifiers: MedGen C1857777, MONDO:0012434, OMIM 610193.

gnomAD v4.1: 1 of 1,613,950 alleles (0.000062%); highest among the groups gnomAD compares: Non-Finnish European, 0.000085%; no homozygotes.

Submission:

Labcorp Genetics (formerly Invitae), Labcorp
Classification: Uncertain significance for Arrhythmogenic right ventricular dysplasia 10. Last evaluated: 2025-08-18. Review status: criteria provided, single submitter. Criteria: Invitae Variant Classification Sherloc (09022015). Collection method: clinical testing. Allele origin: germline.
Comment: This sequence change replaces glycine, which is neutral and non-polar, with valine, which is neutral and non-polar, at codon 678 of the DSG2 protein (p.Gly678Val). This variant is not present in population databases (gnomAD no frequency). This variant has not been reported in the literature in individuals affected with DSG2-related conditions. ClinVar contains an entry for this variant (Variation ID: 1922233). Invitae Evidence Modeling of protein sequence and biophysical properties (such as structural, functional, and spatial information, amino acid conservation, physicochemical variation, residue mobility, and thermodynamic stability) indicates that this missense variant is not expected to disrupt DSG2 protein function with a negative predictive value of 95%. In summary, the available evidence is currently insufficient to determine the role of this variant in disease. Therefore, it has been classified as a Variant of Uncertain Significance.